The following is an entry in ClinVar:

NM_000535.7(PMS2):c.1321G>C (p.Glu441Gln)

Gene: PMS2 (PMS1 homolog 2, mismatch repair system component; minus strand). Cytogenetic location: 7p22.1.
Variant type: single nucleotide variant.
Coding change: c.1321G>C on transcript NM_000535.7 (MANE Select); coding-DNA position 1321, G replaced by C.
Protein change: p.Glu441Gln; replaces glutamic acid 441 with glutamine.
Molecular consequence: missense variant. On other transcripts: non-coding transcript variant (1).
Genome position (GRCh38, 1-based): chr7:5,987,444, C>G on the plus strand (G>C on the coding strand, the complement: PMS2 is on the minus strand). VCF-style: chr7-5987444-C-G. GRCh37 (hg19) VCF-style: chr7-6027075-C-G.
Other names: c.916G>C, p.Glu306Gln (NM_001322003.2, NM_001322004.2, NM_001322005.2 and 1 more transcripts); c.1165G>C, p.Glu389Gln (NM_001322006.2); c.1003G>C, p.Glu335Gln (NM_001322007.2, NM_001322008.2); c.760G>C, p.Glu254Gln (NM_001322010.2); c.388G>C, p.Glu130Gln (NM_001322011.2, NM_001322012.2); c.748G>C, p.Glu250Gln (NM_001322013.2); c.1321G>C, p.Glu441Gln (NM_001322014.2); c.1012G>C, p.Glu338Gln (NM_001322015.2); short protein forms E130Q, E335Q, E338Q, E306Q, E389Q, E441Q, E250Q, E254Q.
Identifiers: ClinVar variation 952157 (VCV000952157.9), dbSNP rs1783135008, ClinGen allele CA366742341.
Genomic context (GRCh38, chr7:5,987,444, plus strand): 5'-CACCTGAAGTGCTAGAAGACAGCATACCCCTTTTCTGTCCTAGAGGGCTCCTTCTTGGTT[C>G]TGGAGTCTTTGGGCTGTGAGGCTTGTTCTCTGTTGTGTGACGAAGAGAAAAGGCCTCTCG-3'
Protein context (NP_000526.2, residues 431-451): ENKPHSPKTP[Glu441Gln]PRRSPLGQKR

ClinVar aggregate classification (germline): Uncertain significance (1 of 4 stars; one submission).

Conditions:
Hereditary nonpolyposis colorectal neoplasms. Identifiers: MedGen C0009405, MeSH D003123.

Submission:

Labcorp Genetics (formerly Invitae), Labcorp
Classification: Uncertain significance for Hereditary nonpolyposis colorectal neoplasms. Last evaluated: 2019-06-26. Review status: criteria provided, single submitter. Criteria: Invitae Variant Classification Sherloc (09022015). Collection method: clinical testing. Allele origin: germline.
Comment: In summary, the available evidence is currently insufficient to determine the role of this variant in disease. Therefore, it has been classified as a Variant of Uncertain Significance. Algorithms developed to predict the effect of missense changes on protein structure and function (SIFT, PolyPhen-2, Align-GVGD) all suggest that this variant is likely to be tolerated, but these predictions have not been confirmed by published functional studies and their clinical significance is uncertain. This variant has not been reported in the literature in individuals with PMS2-related conditions. This variant is not present in population databases (ExAC no frequency). This sequence change replaces glutamic acid with glutamine at codon 441 of the PMS2 protein (p.Glu441Gln). The glutamic acid residue is weakly conserved and there is a small physicochemical difference between glutamic acid and glutamine.